The following is an entry in ClinVar:

ClinVar aggregate classification (germline): Uncertain significance (1 of 4 stars; one submission).

Submission:

Labcorp Genetics (formerly Invitae), Labcorp
Classification: Uncertain significance. Last evaluated: 2021-05-25. Review status: criteria provided, single submitter. Criteria: Invitae Variant Classification Sherloc (09022015). Collection method: clinical testing. Allele origin: germline.
Comment: In summary, the available evidence is currently insufficient to determine the role of this variant in disease. Therefore, it has been classified as a Variant of Uncertain Significance. Algorithms developed to predict the effect of missense changes on protein structure and function are either unavailable or do not agree on the potential impact of this missense change (SIFT: "Deleterious"; PolyPhen-2: "Benign"; Align-GVGD: "Class C0"). This variant has not been reported in the literature in individuals with CTNNA1-related conditions. This variant is not present in population databases (ExAC no frequency). This sequence change replaces alanine with valine at codon 267 of the CTNNA1 protein (p.Ala267Val). The alanine residue is moderately conserved and there is a small physicochemical difference between alanine and valine.

NM_001903.5(CTNNA1):c.800C>T (p.Ala267Val)

Gene: CTNNA1 (catenin alpha 1; plus strand). Cytogenetic location: 5q31.2.
Variant type: single nucleotide variant.
Coding change: c.800C>T on transcript NM_001903.5 (MANE Select); coding-DNA position 800, C replaced by T.
Protein change: p.Ala267Val; replaces alanine 267 with valine.
Molecular consequence: missense variant.
Genome position (GRCh38, 1-based): chr5:138,824,741, C>T. VCF-style: chr5-138824741-C-T. GRCh37 (hg19) VCF-style: chr5-138160430-C-T.
Other names: c.800C>T, p.Ala267Val (NM_001290307.3, NM_001323982.2, NM_001323983.1 and 3 more transcripts); c.491C>T, p.Ala164Val (NM_001290309.3); c.431C>T, p.Ala144Val (NM_001290310.3); short protein forms A144V, A164V, A267V.
Identifiers: ClinVar variation 1483211 (VCV001483211.8), dbSNP rs2149776508, ClinGen allele CA361130084.